The following is an entry in ClinVar:

ClinVar aggregate classification (germline): Uncertain significance. Review status: criteria provided, multiple submitters, no conflicts (2 of 4 stars). 2 submissions from 2 submitters: Uncertain significance (2). Last evaluated 2024-01-17.

Conditions:
Malignant hyperthermia, susceptibility to, 1 (MHS1). Also called: RYR1-Related Malignant Hyperthermia Susceptibility; Anesthesia related hyperthermia; Malignant hyperpyrexia; Fulminating hyperpyrexia; Pharmacogenic myopathy; Malignant hyperthermia suceptibility 1. Identifiers: Orphanet 423, MedGen C2930980, MONDO:0007783, OMIM 145600.

Allele frequency attached by ClinVar (database versions not stated): ExAC 0.00001; gnomAD 0.00001; gnomAD exomes 0.00001; TOPMed 0.00001; ESP Exome Variant Server 0.00008.
gnomAD v4.1: 12 of 1,606,450 alleles (0.00075%); highest among the groups gnomAD compares: African/African-American, 0.0013%; no homozygotes.

Submissions (2):

Blueprint Genetics
Classification: Uncertain significance. Last evaluated: 2024-01-17. Review status: criteria provided, single submitter. Criteria: ACMG Guidelines, 2015. Collection method: clinical testing. Allele origin: germline.

Color Diagnostics, LLC DBA Color Health
Classification: Uncertain significance for Malignant hyperthermia, susceptibility to, 1. Last evaluated: 2023-09-07. Review status: criteria provided, single submitter. Criteria: ACMG Guidelines, 2015. Collection method: clinical testing. Allele origin: germline.
Comment: This missense variant replaces arginine with tryptophan at codon 1305 of the RYR1 protein. Computational prediction suggests that this variant may have deleterious impact on protein structure and function. To our knowledge, functional studies have not been reported for this variant. This variant has not been reported in individuals affected with RYR1-related disorders in the literature. This variant has been identified in 3/231456 chromosomes in the general population by the Genome Aggregation Database (gnomAD). The available evidence is insufficient to determine the role of this variant in disease conclusively. Therefore, this variant is classified as a Variant of Uncertain Significance.

NM_000540.3(RYR1):c.3103C>T (p.Arg1035Trp)

Gene: RYR1 (ryanodine receptor 1; plus strand). Cytogenetic location: 19q13.2.
Variant type: single nucleotide variant.
Coding change: c.3103C>T on transcript NM_000540.3 (MANE Select); coding-DNA position 3103, C replaced by T.
Protein change: p.Arg1035Trp; replaces arginine 1035 with tryptophan.
Molecular consequence: missense variant.
Genome position (GRCh38, 1-based): chr19:38,466,323, C>T. VCF-style: chr19-38466323-C-T. GRCh37 (hg19) VCF-style: chr19-38956963-C-T.
Other names: c.3103C>T, p.Arg1035Trp (NM_001042723.2); short protein forms R1035W.
Identifiers: ClinVar variation 4758646 (VCV004758646.2), dbSNP rs368384162.